The following is an entry in ClinVar:

NM_001370466.1(NOD2):c.1678C>T (p.Arg560Cys)

Gene: NOD2 (nucleotide binding oligomerization domain containing 2; plus strand). Cytogenetic location: 16q12.1.
Variant type: single nucleotide variant.
Coding change: c.1678C>T on transcript NM_001370466.1 (MANE Select); coding-DNA position 1678, C replaced by T.
Protein change: p.Arg560Cys; replaces arginine 560 with cysteine.
Molecular consequence: missense variant. On other transcripts: non-coding transcript variant (1).
Genome position (GRCh38, 1-based): chr16:50,711,670, C>T. VCF-style: chr16-50711670-C-T. GRCh37 (hg19) VCF-style: chr16-50745581-C-T.
Other names: c.1759C>T (LRG_177t1); c.1678C>T, p.Arg560Cys (NM_001293557.2); c.1759C>T, p.Arg587Cys (NM_022162.3); short protein forms R587C, R560C.
Identifiers: ClinVar variation 97838 (VCV000097838.49), dbSNP rs104895479, ClinGen allele CA150228.
Genomic context (GRCh38, chr16:50,711,670, plus strand): 5'-GCCCAGCAGCTCCAGGCAGCACAGGTCAGCCCTGATGACATTTCTCTTGGCTTCCTGGTG[C>T]GTGCCAAAGGTGTCGTGCCAGGGAGTACGGCGCCCCTGGAATTCCTTCACATCACTTTCC-3'
Protein context (NP_001357395.1, residues 550-570): PDDISLGFLV[Arg560Cys]AKGVVPGSTA

ClinVar aggregate classification (germline): Pathogenic/Likely pathogenic. Review status: criteria provided, multiple submitters, no conflicts (2 of 4 stars). 6 submissions from 6 submitters: Pathogenic (2); Likely pathogenic (2). 2 of the submissions do not count toward it. Last evaluated 2026-02-11.

Conditions:
NOD2-related disorder. Also called: NOD2-related condition.
Blau syndrome (BLAUS). Also called: GRANULOMATOSIS, FAMILIAL JUVENILE SYSTEMIC; GRANULOMATOSIS, FAMILIAL, BLAU TYPE; GRANULOMATOUS INFLAMMATORY ARTHRITIS, DERMATITIS, AND UVEITIS, FAMILIAL; JABS SYNDROME; ARTHROCUTANEOUVEAL GRANULOMATOSIS. Identifiers: Orphanet 90340, MedGen C5201146, MONDO:0008523, OMIM 186580.
Regional enteritis. Also called: Enteritis, Granulomatous. Identifiers: MedGen C0678202, MeSH D003424.

Allele frequency attached by ClinVar (database versions not stated): TOPMed 0.00001; gnomAD exomes 0.00002; gnomAD 0.00003.
gnomAD v4.1: 26 of 1,613,378 alleles (0.0016%); highest among the groups gnomAD compares: East Asian, 0.0022%; no homozygotes.

Submissions (6):

Women's Health and Genetics/Laboratory Corporation of America, LabCorp
Classification: Pathogenic for Blau syndrome. Last evaluated: 2026-02-11. Review status: criteria provided, single submitter. Criteria: LabCorp Variant Classification Summary - May 2015. Collection method: clinical testing. Allele origin: germline.
Comment: Variant summary: NOD2 c.1759C>T (p.Arg587Cys) results in a non-conservative amino acid change in the encoded protein sequence. Algorithms developed to predict the effect of missense changes on protein structure and function are either unavailable or do not agree on the potential impact of this missense change. The variant was absent in 250346 control chromosomes. c.1759C>T has been observed in multple individual(s) affected with familial and sporadic Blau syndrome (examples, Arostegui_2007, Imayoshi_2018). It has been observed to segregate with disease in related individuals (Arostegui_2007) and rise de novo in at-least one case with Blau syndrome (Imayoshi_2018). These data indicate that the variant is likely to be associated with disease. At least one publication reports experimental evidence evaluating an impact on protein function. The most pronounced variant effect results in about 300% of nuclear factor kappa B autoactivity in HEK293 cells (Matsuda_2020). The following publications have been ascertained in the context of this evaluation (PMID: 17968944, 30693132, 32647028). ClinVar contains an entry for this variant (Variation ID: 97838). Based on the evidence outlined above, the variant was classified as pathogenic.

Labcorp Genetics (formerly Invitae), Labcorp
Classification: Pathogenic for Regional enteritis; Blau syndrome. Last evaluated: 2025-10-15. Review status: criteria provided, single submitter. Criteria: Invitae Variant Classification Sherloc (09022015). Collection method: clinical testing. Allele origin: germline.
Comment: This sequence change replaces arginine, which is basic and polar, with cysteine, which is neutral and slightly polar, at codon 587 of the NOD2 protein (p.Arg587Cys). This variant is present in population databases (rs104895479, gnomAD 0.007%). This missense change has been observed in individuals with Blau syndrome (PMID: 17968944, 32647028). It has also been observed to segregate with disease in related individuals. ClinVar contains an entry for this variant (Variation ID: 97838). Invitae Evidence Modeling of protein sequence and biophysical properties (such as structural, functional, and spatial information, amino acid conservation, physicochemical variation, residue mobility, and thermodynamic stability) indicates that this missense variant is not expected to disrupt NOD2 protein function with a negative predictive value of 95%. For these reasons, this variant has been classified as Pathogenic.

Blueprint Genetics
Classification: Likely pathogenic for NOD2-related disorders. Last evaluated: 2022-08-02. Review status: criteria provided, single submitter. Criteria: ACMG Guidelines, 2015. Collection method: clinical testing. Allele origin: germline. Affected: yes. Observed: 4 variant alleles.

CeGaT Center for Human Genetics Tuebingen
Classification: Likely pathogenic. Last evaluated: 2020-01-01. Review status: criteria provided, single submitter. Criteria: CeGaT Center For Human Genetics Tuebingen Variant Classification Criteria Version 2. Collection method: clinical testing. Allele origin: germline. Affected: yes. Observed: 1 variant allele.

Laboratory of Research in Genomics, Genetics and Bioinformatics, Hospital Infantil de Mexico Federico Gomez
Classification: Pathogenic for Blau syndrome. Last evaluated: 2025-04-08. Review status: no assertion criteria provided. Collection method: research. Allele origin: germline. Affected: yes. Not counted in ClinVar's aggregate classification.

Unité médicale des maladies autoinflammatoires, CHRU Montpellier
No classification provided. Condition: Sarcoidosis, early-onset. Review status: no classification provided. Collection method: not provided. Allele origin: unknown. Not counted in ClinVar's aggregate classification.
Comment: also involved in OMIM 186580 and 266600

Literature cited by the submitters: PubMed 17968944 (cited by Women's Health and Genetics/Laboratory Corporation of America, LabCorp and Labcorp Genetics (formerly Invitae), Labcorp); PubMed 30693132 (cited by Women's Health and Genetics/Laboratory Corporation of America, LabCorp); PubMed 32647028 (cited by Women's Health and Genetics/Laboratory Corporation of America, LabCorp and Labcorp Genetics (formerly Invitae), Labcorp).